The following is an entry in ClinVar:

ClinVar aggregate classification (germline): Pathogenic (1 of 4 stars; one submission).

Conditions:
Congenital disorder of deglycosylation (CDDG). Identifiers: MedGen C3808991, MONDO:0031376.

Submission:

Labcorp Genetics (formerly Invitae), Labcorp
Classification: Pathogenic for Congenital disorder of deglycosylation. Last evaluated: 2023-04-14. Review status: criteria provided, single submitter. Criteria: Invitae Variant Classification Sherloc (09022015). Collection method: clinical testing. Allele origin: germline.
Comment: For these reasons, this variant has been classified as Pathogenic. This variant has not been reported in the literature in individuals affected with NGLY1-related conditions. This variant is not present in population databases (gnomAD no frequency). This sequence change creates a premature translational stop signal (p.Gln147Profs*21) in the NGLY1 gene. It is expected to result in an absent or disrupted protein product. Loss-of-function variants in NGLY1 are known to be pathogenic (PMID: 24651605).

Literature cited by the submitters: PubMed 24651605.

NM_018297.4(NGLY1):c.440_441del (p.Gln147fs)

Gene: NGLY1 (N-glycanase 1; minus strand). Cytogenetic location: 3p24.2.
Variant type: Deletion.
Coding change: c.440_441del on transcript NM_018297.4 (MANE Select); coding-DNA positions 440 to 441, 2 bases deleted (AG; older notation c.440_441delAG).
Protein change: p.Gln147fs; shifts the reading frame from glutamine 147.
Molecular consequence: frameshift variant.
Genome position (GRCh38, 1-based): chr3:25,764,117-25,764,118, CT deleted on the plus strand (AG on the coding strand, the reverse complement: NGLY1 is on the minus strand). VCF-style (leftmost placement, unchanged base first): chr3-25764116-GCT-G. GRCh37 (hg19) VCF-style: chr3-25805607-GCT-G.
Other names: c.440_441del, p.Gln147fs (NM_001145293.2, NM_001145295.2); c.314_315del, p.Gln105fs (NM_001145294.2); short protein forms Q147fs, Q105fs.
Identifiers: ClinVar variation 2856038 (VCV002856038.3), dbSNP rs2470673591, ClinGen allele CA2739279416.
Genomic context (GRCh38, chr3:25,764,116, plus strand): 5'-CTAACATTACCGTTGAAGCAGATGGTGGATCTGATGACTGCCCTTGACGGTTCCTTGTGT[GCT>G]GGTTTAACCCACTGGGATTTGAAGATGGTGTTGTAGGAAGCTGGGTACTGGCTGCAGGTT-3'